The following is an entry in ClinVar:

ClinVar aggregate classification (germline): Benign/Likely benign. Review status: criteria provided, multiple submitters, no conflicts (2 of 4 stars). 2 submissions from 2 submitters: Benign (1); Likely benign (1). Last evaluated 2025-01-24.

Conditions:
Hereditary nonpolyposis colorectal neoplasms. Identifiers: MedGen C0009405, MeSH D003123.
Lynch syndrome 4 (LYNCH4). Also called: Colorectal cancer, hereditary nonpolyposis, type 4; Hereditary non-polyposis colorectal cancer, type 4. Identifiers: Orphanet 144, MedGen C1838333, MONDO:0013699, OMIM 614337. Disease mechanism: loss of function.

Submissions (2):

Myriad Genetics, Inc.
Classification: Benign for Lynch syndrome 4. Last evaluated: 2025-01-24. Review status: criteria provided, single submitter. Criteria: Myriad Autosomal Dominant, Autosomal Recessive and X-Linked Classification Criteria (2023). Collection method: clinical testing. Allele origin: unknown.
Comment: This variant is considered benign. This variant is a silent/synonymous amino acid change and it is not expected to impact splicing.

Labcorp Genetics (formerly Invitae), Labcorp
Classification: Likely benign for Hereditary nonpolyposis colorectal neoplasms. Last evaluated: 2022-02-17. Review status: criteria provided, single submitter. Criteria: Invitae Variant Classification Sherloc (09022015). Collection method: clinical testing. Allele origin: germline.

NM_000535.7(PMS2):c.264C>T (p.His88=)

Gene: PMS2 (PMS1 homolog 2, mismatch repair system component; minus strand). Cytogenetic location: 7p22.1.
Variant type: single nucleotide variant.
Coding change: c.264C>T on transcript NM_000535.7 (MANE Select); coding-DNA position 264, C replaced by T.
Protein change: p.His88=; no amino-acid change (histidine 88 retained).
Molecular consequence: synonymous variant. On other transcripts: 5 prime UTR variant (9), non-coding transcript variant (1), intron variant (2).
Genome position (GRCh38, 1-based): chr7:6,003,779, G>A on the plus strand (C>T on the coding strand, the complement: PMS2 is on the minus strand). VCF-style: chr7-6003779-G-A. GRCh37 (hg19) VCF-style: chr7-6043410-G-A.
Other names: c.-142C>T (NM_001322003.2, NM_001322004.2, NM_001322005.2 and 3 more transcripts); c.264C>T, p.His88= (NM_001322006.2, NM_001322014.2); c.-621C>T (NM_001322011.2, NM_001322012.2); c.-221C>T (NM_001322015.2); c.35+193C>T (NM_001322008.2, NM_001322007.2).
Identifiers: ClinVar variation 1110002 (VCV001110002.10), dbSNP rs1562694128, ClinGen allele CA453648004.